The following is an entry in ClinVar:

NM_001365999.1(SZT2):c.1060G>T (p.Gly354Trp)

Gene: SZT2 (SZT2 subunit of KICSTOR complex; plus strand). Cytogenetic location: 1p34.2.
Variant type: single nucleotide variant.
Coding change: c.1060G>T on transcript NM_001365999.1 (MANE Select); coding-DNA position 1060, G replaced by T.
Protein change: p.Gly354Trp; replaces glycine 354 with tryptophan.
Molecular consequence: missense variant.
Genome position (GRCh38, 1-based): chr1:43,419,914, G>T. VCF-style: chr1-43419914-G-T. GRCh37 (hg19) VCF-style: chr1-43885585-G-T.
Other names: c.1060G>T, p.Gly354Trp (NM_015284.4); short protein forms G354W.
Identifiers: ClinVar variation 589202 (VCV000589202.5), dbSNP rs1557539813, ClinGen allele CA340006285.

ClinVar aggregate classification (germline): Uncertain significance (1 of 4 stars; one submission).

Conditions:
Inborn genetic diseases. Identifiers: MedGen C0950123, MeSH D030342.

Submission:

Ambry Genetics
Classification: Uncertain significance for Inborn genetic diseases. Last evaluated: 2017-05-31. Review status: criteria provided, single submitter. Criteria: Ambry Variant Classification Scheme 2023. Collection method: clinical testing. Allele origin: germline.
Comment: The p.G354W variant (also known as c.1060G>T), located in coding exon 8 of the SZT2 gene, results from a G to T substitution at nucleotide position 1060. The glycine at codon 354 is replaced by tryptophan, an amino acid with highly dissimilar properties. This amino acid position is well conserved in available vertebrate species. In addition, this alteration is predicted to be tolerated by in silico analysis. Since supporting evidence is limited at this time, the clinical significance of this alteration remains unclear.